The following is an entry in ClinVar:

NM_001134888.3(RTL1):c.726C>T (p.Ile242=)

Gene: RTL1 (retrotransposon Gag like 1; minus strand). Cytogenetic location: 14q32.2.
Variant type: single nucleotide variant.
Coding change: c.726C>T on transcript NM_001134888.3 (MANE Select); coding-DNA position 726, C replaced by T.
Protein change: p.Ile242=; no amino-acid change (isoleucine 242 retained).
Molecular consequence: synonymous variant.
Genome position (GRCh38, 1-based): chr14:100,884,063, G>A on the plus strand (C>T on the coding strand, the complement: RTL1 is on the minus strand). VCF-style: chr14-100884063-G-A. GRCh37 (hg19) VCF-style: chr14-101350400-G-A.
Other names: c.726C>T, p.Ile242= (NM_001425285.1).
Identifiers: ClinVar variation 2644552 (VCV002644552.24), dbSNP rs2140037459, ClinGen allele CA488182409.

ClinVar aggregate classification (germline): Likely benign (1 of 4 stars; one submission).

Allele frequency attached by ClinVar (database versions not stated): gnomAD exomes below 0.00001.
gnomAD v4.1: 2 of 1,551,746 alleles (0.00013%); highest among the groups gnomAD compares: Middle Eastern, 0.017%; no homozygotes.

Submission:

CeGaT Center for Human Genetics Tuebingen
Classification: Likely benign. Last evaluated: 2023-07-01. Review status: criteria provided, single submitter. Criteria: CeGaT Center For Human Genetics Tuebingen Variant Classification Criteria Version 2. Collection method: clinical testing. Allele origin: germline. Affected: yes. Observed: 1 variant allele.
Comment: RTL1: PM2:Supporting, BP4, BP7